The following is an entry in ClinVar:

NM_001009944.3(PKD1):c.129_135dup (p.Ala46fs)

Gene: PKD1 (polycystin 1, transient receptor potential channel interacting; minus strand). Cytogenetic location: 16p13.3.
Variant type: Duplication.
Coding change: c.129_135dup on transcript NM_001009944.3 (MANE Select); coding-DNA positions 129 to 135, 7 bases duplicated (CGGCGCC; older notation c.129_135dupCGGCGCC).
Protein change: p.Ala46fs; shifts the reading frame from alanine 46.
Molecular consequence: frameshift variant.
Genome position (GRCh38, 1-based): chr16:2,135,555-2,135,561, GGCGCCG duplicated on the plus strand (CGGCGCC on the coding strand, the reverse complement: PKD1 is on the minus strand); duplicating any 7 consecutive bases within chr16:2,135,555-2,135,566 gives the same sequence; the c. name uses the placement nearest the transcript's 3' end. VCF-style (leftmost placement, unchanged base first): chr16-2135554-C-CGGCGCCG. GRCh37 (hg19) VCF-style: chr16-2185555-C-CGGCGCCG.
Other names: c.129_135dup, p.Ala46fs (NM_000296.4); short protein forms A46fs.
Identifiers: ClinVar variation 4072215 (VCV004072215.1).

ClinVar aggregate classification (germline): Pathogenic (1 of 4 stars; one submission).

Conditions:
Polycystic kidney disease, adult type (PKD1). Also called: Polycystic Kidney, Autosomal Dominant; Polycystic Kidney Disease 1, Autosomal Dominant; Polycystic kidney disease 1; Polycystic kidney disease 1, severe; POLYCYSTIC KIDNEY DISEASE 1 WITH OR WITHOUT POLYCYSTIC LIVER DISEASE; POLYCYSTIC KIDNEY DISEASE, ADULT, TYPE I. Identifiers: MedGen C3149841, MONDO:0008263, OMIM 173900.

Submission:

MVZ Medizinische Genetik Mainz
Classification: Pathogenic for Polycystic kidney disease, adult type. Last evaluated: 2025-06-20. Review status: criteria provided, single submitter. Criteria: UK Practice Guidelines For Variant Classification V4 01 2020. Collection method: clinical testing. Allele origin: germline. Inheritance: Autosomal dominant inheritance. Affected: yes. Observed: 1 variant allele.
Comment: ACMG Criteria: PVS1,PM2_SUP,PP4